The following is an entry in ClinVar:

NM_001278116.2(L1CAM):c.2258_2263dup (p.Gln753_Trp754dup)

Gene: L1CAM (L1 cell adhesion molecule; minus strand). Cytogenetic location: Xq28.
Variant type: Duplication.
Coding change: c.2258_2263dup on transcript NM_001278116.2 (MANE Select); coding-DNA positions 2258 to 2263, 6 bases duplicated (AGTGGC; older notation c.2258_2263dupAGTGGC).
Protein change: p.Gln753_Trp754dup.
Molecular consequence: inframe insertion.
Genome position (GRCh38, 1-based): chrX:153,866,817-153,866,822, GCCACT duplicated on the plus strand (AGTGGC on the coding strand, the reverse complement: L1CAM is on the minus strand); duplicating any 6 consecutive bases within chrX:153,866,817-153,866,824 gives the same sequence; the c. name uses the placement nearest the transcript's 3' end. VCF-style (leftmost placement, unchanged base first): chrX-153866816-C-CGCCACT. GRCh37 (hg19) VCF-style: chrX-153132271-C-CGCCACT.
Other names: c.2258_2263dup, p.Gln753_Trp754dup (NM_000425.5, NM_024003.3); c.2243_2248dup, p.Gln748_Trp749dup (NM_001143963.2).
Identifiers: ClinVar variation 1008896 (VCV001008896.8), dbSNP rs2064718045, ClinGen allele CA2466506052.
Genomic context (GRCh38, chrX:153,866,816, plus strand): 5'-ACCACCAGGAAGGGGTCGCTGACAATCTGCTCCTGCCAGGGCCCTCGTGTCCCCTGAGGG[C>CGCCACT]GCCACTGCACGCGGTACTGAACCTGGGGGGCGTTCCAGTCCATCCACCGGAGCGGCTGGA-3'

ClinVar aggregate classification (germline): Uncertain significance (1 of 4 stars; one submission).

Conditions:
Spastic paraplegia. Identifiers: MedGen C0037772, HP:0001258.

Submission:

Labcorp Genetics (formerly Invitae), Labcorp
Classification: Uncertain significance for Spastic paraplegia. Last evaluated: 2020-08-08. Review status: criteria provided, single submitter. Criteria: Invitae Variant Classification Sherloc (09022015). Collection method: clinical testing. Allele origin: germline.
Comment: This variant, c.2258_2263dup, results in the insertion of 2 amino acid(s) to the L1CAM protein (p.Gln753_Trp754dup), but otherwise preserves the integrity of the reading frame. In summary, the available evidence is currently insufficient to determine the role of this variant in disease. Therefore, it has been classified as a Variant of Uncertain Significance. Experimental studies and prediction algorithms are not available or were not evaluated, and the functional significance of this variant is currently unknown. This variant has not been reported in the literature in individuals with L1CAM-related conditions. This variant is not present in population databases (ExAC no frequency).